The following is an entry in ClinVar:

ClinVar aggregate classification (germline): Likely pathogenic (1 of 4 stars; one submission).

Conditions:
Intellectual developmental disorder with dysmorphic facies and ptosis (IDDDFP). Identifiers: Orphanet 698090, MedGen C4310617, MONDO:0015022, OMIM 617333.

Submission:

Laboratorio de Genetica e Diagnostico Molecular, Hospital Israelita Albert Einstein
Classification: Likely pathogenic for Intellectual developmental disorder with dysmorphic facies and ptosis. Last evaluated: 2026-02-04. Review status: criteria provided, single submitter. Criteria: ACMG Guidelines, 2015. Collection method: clinical testing. Allele origin: germline. Affected: yes.
Comment: ACMG classification criteria: PVS1 very strong, PM2 supporting

NM_001003694.2(BRPF1):c.2805dup (p.Pro936fs)

Gene: BRPF1 (bromodomain and PHD finger containing 1; plus strand). Cytogenetic location: 3p25.3.
Variant type: Duplication.
Coding change: c.2805dup on transcript NM_001003694.2 (MANE Select); coding-DNA position 2805, one base duplicated (G; older notation c.2805dupG).
Protein change: p.Pro936fs; shifts the reading frame from proline 936.
Molecular consequence: frameshift variant. On other transcripts: non-coding transcript variant (1), intron variant (4).
Genome position (GRCh38, 1-based): chr3:9,744,393, G duplicated; the last of 4 consecutive G bases (chr3:9,744,390-9,744,393); duplicating any one gives the same sequence. VCF-style (leftmost placement, unchanged base first): chr3-9744389-T-TG. GRCh37 (hg19) VCF-style: chr3-9786073-T-TG.
Other names: c.2784dup, p.Pro929fs (NM_001319050.2, NM_001438342.1, NM_001438343.1); c.2802dup, p.Pro935fs (NM_001410704.1); c.2787dup, p.Pro930fs (NM_001437892.1, NM_004634.3); c.2635+492dup (NM_001438344.1); c.2632+492dup (NM_001438345.1); c.2617+492dup (NM_001319049.2); c.2614+492dup (NM_001438346.1); short protein forms P929fs, P930fs, P935fs, P936fs.
Identifiers: ClinVar variation 4846974 (VCV004846974.1).